The following is an entry in ClinVar:

ClinVar aggregate classification (germline): Uncertain significance (1 of 4 stars; one submission).

Allele frequency attached by ClinVar (database versions not stated): gnomAD exomes below 0.00001.

Submission:

Labcorp Genetics (formerly Invitae), Labcorp
Classification: Uncertain significance. Last evaluated: 2023-10-05. Review status: criteria provided, single submitter. Criteria: Invitae Variant Classification Sherloc (09022015). Collection method: clinical testing. Allele origin: germline.
Comment: This sequence change replaces cysteine, which is neutral and slightly polar, with arginine, which is basic and polar, at codon 2268 of the FBN3 protein (p.Cys2268Arg). This variant is not present in population databases (gnomAD no frequency). This variant has not been reported in the literature in individuals affected with FBN3-related conditions. Advanced modeling of protein sequence and biophysical properties (such as structural, functional, and spatial information, amino acid conservation, physicochemical variation, residue mobility, and thermodynamic stability) performed at Invitae indicates that this missense variant is expected to disrupt FBN3 protein function. In summary, the available evidence is currently insufficient to determine the role of this variant in disease. Therefore, it has been classified as a Variant of Uncertain Significance.

NM_032447.5(FBN3):c.6802T>C (p.Cys2268Arg)

Gene: FBN3 (fibrillin 3; minus strand). Cytogenetic location: 19p13.2.
Variant type: single nucleotide variant.
Coding change: c.6802T>C on transcript NM_032447.5 (MANE Select); coding-DNA position 6802, T replaced by C.
Protein change: p.Cys2268Arg; replaces cysteine 2268 with arginine.
Molecular consequence: missense variant.
Genome position (GRCh38, 1-based): chr19:8,086,278, A>G on the plus strand (T>C on the coding strand, the complement: FBN3 is on the minus strand). VCF-style: chr19-8086278-A-G. GRCh37 (hg19) VCF-style: chr19-8151162-A-G.
Other names: c.6802T>C, p.Cys2268Arg (NM_001321431.2); short protein forms C2268R.
Identifiers: ClinVar variation 2765896 (VCV002765896.3), dbSNP rs2512619292, ClinGen allele CA403710450.